The following is an entry in ClinVar:

NM_030662.4(MAP2K2):c.485_492del (p.Ala162fs)

Gene: MAP2K2 (mitogen-activated protein kinase kinase 2; minus strand). Cytogenetic location: 19p13.3.
Variant type: Deletion.
Coding change: c.485_492del on transcript NM_030662.4 (MANE Select); coding-DNA positions 485 to 492, 8 bases deleted (CCAAGAGG; older notation c.485_492delCCAAGAGG).
Protein change: p.Ala162fs; shifts the reading frame from alanine 162.
Molecular consequence: frameshift variant.
Genome position (GRCh38, 1-based): chr19:4,102,412-4,102,419, CCTCTTGG deleted on the plus strand (CCAAGAGG on the coding strand, the reverse complement: MAP2K2 is on the minus strand); deleting any 8 consecutive bases within chr19:4,102,412-4,102,425 gives the same sequence; the c. name uses the placement nearest the transcript's 3' end. VCF-style (leftmost placement, unchanged base first): chr19-4102411-TCCTCTTGG-T. GRCh37 (hg19) VCF-style: chr19-4102409-TCCTCTTGG-T.
Other names: short protein forms A162fs.
Identifiers: ClinVar variation 3725673 (VCV003725673.2).

ClinVar aggregate classification (germline): Uncertain significance (1 of 4 stars; one submission).

Conditions:
RASopathy. Also called: rasopathies; Noonan spectrum disorder. Identifiers: Orphanet 536391, MedGen C5555857, MONDO:0021060.

Submission:

Labcorp Genetics (formerly Invitae), Labcorp
Classification: Uncertain significance for RASopathy. Last evaluated: 2024-12-03. Review status: criteria provided, single submitter. Criteria: Invitae Variant Classification Sherloc (09022015). Collection method: clinical testing. Allele origin: germline.
Comment: This sequence change creates a premature translational stop signal (p.Ala162Aspfs*41) in the MAP2K2 gene. It is expected to result in an absent or disrupted protein product. However, the current clinical and genetic evidence is not sufficient to establish whether loss-of-function variants in MAP2K2 cause disease. This variant is not present in population databases (gnomAD no frequency). This variant has not been reported in the literature in individuals affected with MAP2K2-related conditions. In summary, the available evidence is currently insufficient to determine the role of this variant in disease. Therefore, it has been classified as a Variant of Uncertain Significance.